The following is an entry in ClinVar:

NM_014809.4(KIAA0319):c.1044C>T (p.Pro348=)

Gene: KIAA0319 (KIAA0319; minus strand). Cytogenetic location: 6p22.3.
Variant type: single nucleotide variant.
Coding change: c.1044C>T on transcript NM_014809.4 (MANE Select); coding-DNA position 1044, C replaced by T.
Protein change: p.Pro348=; no amino-acid change (proline 348 retained).
Molecular consequence: synonymous variant. On other transcripts: intron variant (1).
Genome position (GRCh38, 1-based): chr6:24,583,653, G>A on the plus strand (C>T on the coding strand, the complement: KIAA0319 is on the minus strand). VCF-style: chr6-24583653-G-A. GRCh37 (hg19) VCF-style: chr6-24583881-G-A.
Other names: c.1017C>T, p.Pro339= (NM_001168374.2); c.1044C>T, p.Pro348= (NM_001168375.2, NM_001168377.2, NM_001350403.2 and 2 more transcripts); c.909C>T, p.Pro303= (NM_001168376.2, NM_001350406.2); c.1026C>T, p.Pro342= (NM_001350404.2); c.588C>T, p.Pro196= (NM_001350409.2, NM_001350410.2); c.995-1307C>T (NM_001350405.2).
Identifiers: ClinVar variation 3057609 (VCV003057609.2), dbSNP rs200254558, ClinGen allele CA3657666.

ClinVar aggregate classification (germline): Likely benign (0 of 4 stars; one submission).

Conditions:
KIAA0319-related disorder. Also called: KIAA0319-related condition.

gnomAD v4.1: 31 of 1,613,656 alleles (0.0019%); highest among the groups gnomAD compares: Non-Finnish European, 0.0024%; no homozygotes.

Submission:

PreventionGenetics, part of Exact Sciences
Classification: Likely benign for KIAA0319-related condition. Last evaluated: 2019-02-21. Review status: no assertion criteria provided. Collection method: clinical testing. Allele origin: germline.
Comment: This variant is classified as likely benign based on ACMG/AMP sequence variant interpretation guidelines (Richards et al. 2015 PMID: 25741868, with internal and published modifications).